The following is an entry in ClinVar:

ClinVar aggregate classification (germline): Conflicting classifications of pathogenicity. Review status: criteria provided, conflicting classifications (1 of 4 stars). 2 submissions from 2 submitters: Uncertain significance (1); Likely benign (1). Last evaluated 2025-10-09.

Conditions:
Inborn genetic diseases. Identifiers: MedGen C0950123, MeSH D030342.
Mosaic variegated aneuploidy syndrome 1 (MVA1). Also called: Warburton-Anyane-Yeboa syndrome. Identifiers: Orphanet 1052, MedGen C1850343, MONDO:0009759, OMIM 257300.

Submissions (2):

Labcorp Genetics (formerly Invitae), Labcorp
Classification: Uncertain significance for Mosaic variegated aneuploidy syndrome 1. Last evaluated: 2025-10-09. Review status: criteria provided, single submitter. Criteria: Invitae Variant Classification Sherloc (09022015). Collection method: clinical testing. Allele origin: germline.
Comment: This sequence change affects codon 893 of the BUB1B mRNA. It is a 'silent' change, meaning that it does not change the encoded amino acid sequence of the BUB1B protein. It affects a nucleotide within the consensus splice site. This variant is not present in population databases (gnomAD no frequency). This variant has not been reported in the literature in individuals affected with BUB1B-related conditions. ClinVar contains an entry for this variant (Variation ID: 1365106). Algorithms developed to predict the effect of sequence changes on RNA splicing suggest that this variant is not likely to affect RNA splicing. In summary, the available evidence is currently insufficient to determine the role of this variant in disease. Therefore, it has been classified as a Variant of Uncertain Significance.

Ambry Genetics
Classification: Likely benign for Inborn genetic diseases. Last evaluated: 2024-02-20. Review status: criteria provided, single submitter. Criteria: Ambry Variant Classification Scheme 2023. Collection method: clinical testing. Allele origin: germline.

NM_001211.6(BUB1B):c.2679A>G (p.Arg893=)

Genes: BUB1B (BUB1 mitotic checkpoint serine/threonine kinase B; plus strand), BUB1B-PAK6 (BUB1B-PAK6 readthrough; plus strand). Cytogenetic location: 15q15.1.
Variant type: single nucleotide variant.
Coding change: c.2679A>G on transcript NM_001211.6 (MANE Select); coding-DNA position 2679, A replaced by G.
Protein change: p.Arg893=; no amino-acid change (arginine 893 retained).
Molecular consequence: synonymous variant. On other transcripts: 5 prime UTR variant (2).
Genome position (GRCh38, 1-based): chr15:40,217,496, A>G. VCF-style: chr15-40217496-A-G. GRCh37 (hg19) VCF-style: chr15-40509697-A-G.
Other names: c.-372A>G (NM_001128628.3); c.-289A>G (NM_001128629.3).
Identifiers: ClinVar variation 1365106 (VCV001365106.9), dbSNP rs2140911352, ClinGen allele CA489709607.
Genomic context (GRCh38, chr15:40,217,496, plus strand): 5'-GCTATGCAGCTTCTTTCATGGCCTATTTTTATTATCTCCTTCTCTTAAATCTGGGCTCAG[A>G]ATCCACGATCCCTATGATTGTAACAAGAACAATCAAGCTTTGAAGATAGTGGACTTTTCC-3'
Protein context (NP_001202.5, residues 883-903): LSPRCLILRN[Arg893=]IHDPYDCNKN